The following is an entry in ClinVar:

NM_005144.5(HR):c.*240C>A

Gene: HR (HR lysine demethylase and nuclear receptor corepressor; minus strand). Cytogenetic location: 8p21.3.
Variant type: single nucleotide variant.
Coding change: c.*240C>A on transcript NM_005144.5 (MANE Select); 240 bases downstream of the stop codon, C replaced by A.
Molecular consequence: 3 prime UTR variant.
Genome position (GRCh38, 1-based): chr8:22,115,460, G>T on the plus strand (C>A on the coding strand, the complement: HR is on the minus strand). VCF-style: chr8-22115460-G-T. GRCh37 (hg19) VCF-style: chr8-21972973-G-T.
Other names: c.*240C>A (NM_018411.4).
Identifiers: ClinVar variation 362466 (VCV000362466.7), dbSNP rs6994872, ClinGen allele CA10625132.

ClinVar aggregate classification (germline): Benign. Review status: criteria provided, multiple submitters, no conflicts (2 of 4 stars). 4 submissions from 3 submitters: Benign (4). Last evaluated 2018-11-12.

Conditions:
Atrichia with papular lesions (APL). Also called: PAPULAR ATRICHIA. Identifiers: Orphanet 86819, MedGen C1859592, MONDO:0008847, OMIM 209500.
Alopecia universalis congenita (ALUNC). Also called: ATRICHIA, GENERALIZED. Identifiers: Orphanet 701, MedGen C1859877, MONDO:0008757, OMIM 203655.

Allele frequency attached by ClinVar (database versions not stated): 1000 Genomes Project 30x 0.35244; 1000 Genomes Project 0.35663; TOPMed 0.37332; gnomAD 0.37740 and 0.37960; gnomAD exomes 0.40751.

Submissions (4):

GeneDx
Classification: Benign. Last evaluated: 2018-11-12. Review status: criteria provided, single submitter. Criteria: GeneDx Variant Classification Process June 2021. Collection method: clinical testing. Allele origin: germline. Affected: yes.

Illumina Laboratory Services, Illumina
Classification: Benign for Alopecia universalis congenita. Last evaluated: 2018-01-13. Review status: criteria provided, single submitter. Criteria: ICSL Variant Classification Criteria 13 December 2019. Collection method: clinical testing. Allele origin: germline.
Comment: This variant was observed in the ICSL laboratory as part of a predisposition screen in an ostensibly healthy population. It had not been previously curated by ICSL or reported in the Human Gene Mutation Database (HGMD: prior to June 1st, 2018), and was therefore a candidate for classification through an automated scoring system. Utilizing variant allele frequency, disease prevalence and penetrance estimates, and inheritance mode, an automated score was calculated to assess if this variant is too frequent to cause the disease. Based on the score and internal cut-off values, a variant classified as benign is not then subjected to further curation. The score for this variant resulted in a classification of benign for this disease.

Illumina Laboratory Services, Illumina
Classification: Benign for Atrichia with papular lesions. Last evaluated: 2018-01-13. Review status: criteria provided, single submitter. Criteria: ICSL Variant Classification Criteria 13 December 2019. Collection method: clinical testing. Allele origin: germline.
Comment: the same text as in the submission from Illumina Laboratory Services, Illumina above.

Breakthrough Genomics
Classification: Benign. Review status: criteria provided, single submitter. Criteria: ACMG Guidelines, 2015. Collection method: not provided. Allele origin: germline. Inheritance: Autosomal recessive inheritance. Affected: yes.